The following is an entry in ClinVar:

NM_000393.5(COL5A2):c.4036C>T (p.Arg1346Cys)

Gene: COL5A2 (collagen type V alpha 2 chain; minus strand). Cytogenetic location: 2q32.2.
Variant type: single nucleotide variant.
Coding change: c.4036C>T on transcript NM_000393.5 (MANE Select); coding-DNA position 4036, C replaced by T.
Protein change: p.Arg1346Cys; replaces arginine 1346 with cysteine.
Molecular consequence: missense variant.
Genome position (GRCh38, 1-based): chr2:189,036,693, G>A on the plus strand (C>T on the coding strand, the complement: COL5A2 is on the minus strand). VCF-style: chr2-189036693-G-A. GRCh37 (hg19) VCF-style: chr2-189901419-G-A.
Other names: short protein forms R1346C.
Identifiers: ClinVar variation 4688648 (VCV004688648.2).

ClinVar aggregate classification (germline): Uncertain significance. Review status: criteria provided, multiple submitters, no conflicts (2 of 4 stars). 2 submissions from 2 submitters: Uncertain significance (2). Last evaluated 2025-12-02.

Conditions:
Ehlers-Danlos syndrome, classic type, 1 (EDSCL1). Also called: EHLERS-DANLOS SYNDROME, GRAVIS TYPE; EHLERS-DANLOS SYNDROME, SEVERE CLASSIC TYPE; Ehlers-Danlos syndrome, type 1; Ehlers-Danlos Syndrome, Classic Type, COL5A1-Related; EDS I. Identifiers: MedGen C0268335, MONDO:0019567, OMIM 130000.

gnomAD v4.1: 15 of 1,613,422 alleles (0.00093%); highest among the groups gnomAD compares: African/African-American, 0.0053%; no homozygotes.

Submissions (2):

Women's Health and Genetics/Laboratory Corporation of America, LabCorp
Classification: Uncertain significance. Last evaluated: 2025-12-02. Review status: criteria provided, single submitter. Criteria: LabCorp Variant Classification Summary - May 2015. Collection method: clinical testing. Allele origin: germline.
Comment: Variant summary: COL5A2 c.4036C>T (p.Arg1346Cys) results in a non-conservative amino acid change in the encoded protein sequence. Algorithms developed to predict the effect of missense changes on protein structure and function are either unavailable or do not agree on the potential impact of this missense change. The variant allele was found at a frequency of 8e-06 in 250996 control chromosomes. The available data on variant occurrences in the general population are insufficient to allow any conclusion about variant significance. To our knowledge, no occurrence of c.4036C>T in individuals affected with COL5A2-related conditions and no experimental evidence demonstrating its impact on protein function have been reported. No submitters have cited clinical-significance assessments for this variant to ClinVar. Based on the evidence outlined above, the variant was classified as uncertain significance.

Labcorp Genetics (formerly Invitae), Labcorp
Classification: Uncertain significance for Ehlers-Danlos syndrome, classic type, 1. Last evaluated: 2025-11-08. Review status: criteria provided, single submitter. Criteria: Invitae Variant Classification Sherloc (09022015). Collection method: clinical testing. Allele origin: germline.
Comment: This sequence change replaces arginine, which is basic and polar, with cysteine, which is neutral and slightly polar, at codon 1346 of the COL5A2 protein (p.Arg1346Cys). This variant is present in population databases (rs574249256, gnomAD 0.006%). This variant has not been reported in the literature in individuals affected with COL5A2-related conditions. Invitae Evidence Modeling of protein sequence and biophysical properties (such as structural, functional, and spatial information, amino acid conservation, physicochemical variation, residue mobility, and thermodynamic stability) indicates that this missense variant is not expected to disrupt COL5A2 protein function with a negative predictive value of 80%. In summary, the available evidence is currently insufficient to determine the role of this variant in disease. Therefore, it has been classified as a Variant of Uncertain Significance.